The following is an entry in ClinVar:

ClinVar aggregate classification (germline): Benign/Likely benign. Review status: criteria provided, multiple submitters, no conflicts (2 of 4 stars). 13 submissions from 12 submitters: Benign (9); Likely benign (1). 3 of the submissions do not count toward it. Last evaluated 2026-05-08.

Conditions:
Type 2 collagenopathy. Identifiers: Orphanet 93421, MedGen C2931073, MONDO:0022800.
Stickler syndrome type 1 (STL1). Also called: STICKLER SYNDROME, MEMBRANOUS VITREOUS TYPE; STICKLER SYNDROME, VITREOUS TYPE 1; ARTHROOPHTHALMOPATHY, HEREDITARY PROGRESSIVE; COL2A1-Related Stickler Syndrome. Identifiers: Orphanet 828, Orphanet 90653, MedGen C2020284, MONDO:0007160, OMIM 108300.

Allele frequency attached by ClinVar (database versions not stated): ESP Exome Variant Server 0.06981; gnomAD 0.09896 and 0.10518; TOPMed 0.11349; gnomAD exomes 0.11857 and 0.16414; ExAC 0.14997; 1000 Genomes Project 30x 0.16786; 1000 Genomes Project 0.17093.

Submissions (13):

Women's Health and Genetics/Laboratory Corporation of America, LabCorp
Classification: Likely benign. Last evaluated: 2026-05-08. Review status: criteria provided, single submitter. Criteria: LabCorp Variant Classification Summary - May 2015. Collection method: clinical testing. Allele origin: germline.

Labcorp Genetics (formerly Invitae), Labcorp
Classification: Benign. Last evaluated: 2026-02-04. Review status: criteria provided, single submitter. Criteria: Invitae Variant Classification Sherloc (09022015). Collection method: clinical testing. Allele origin: germline.

Blueprint Genetics
Classification: Benign. Last evaluated: 2024-11-27. Review status: criteria provided, single submitter. Criteria: ACMG Guidelines, 2015. Collection method: clinical testing. Allele origin: germline.

Mayo Clinic Laboratories, Mayo Clinic
Classification: Benign. Last evaluated: 2020-01-28. Review status: criteria provided, single submitter. Criteria: ACMG Guidelines, 2015. Collection method: clinical testing. Allele origin: germline. Observed: 43 variant alleles.

Illumina Laboratory Services, Illumina
Classification: Benign for Type II Collagenopathies. Last evaluated: 2018-01-12. Review status: criteria provided, single submitter. Criteria: ICSL Variant Classification Criteria 13 December 2019. Collection method: clinical testing. Allele origin: germline.
Comment: This variant was observed in the ICSL laboratory as part of a predisposition screen in an ostensibly healthy population. It had not been previously curated by ICSL or reported in the Human Gene Mutation Database (HGMD: prior to June 1st, 2018), and was therefore a candidate for classification through an automated scoring system. Utilizing variant allele frequency, disease prevalence and penetrance estimates, and inheritance mode, an automated score was calculated to assess if this variant is too frequent to cause the disease. Based on the score and internal cut-off values, a variant classified as benign is not then subjected to further curation. The score for this variant resulted in a classification of benign for this disease.

Illumina Laboratory Services, Illumina
Classification: Benign for Stickler syndrome type 1. Last evaluated: 2018-01-12. Review status: criteria provided, single submitter. Criteria: ICSL Variant Classification Criteria 13 December 2019. Collection method: clinical testing. Allele origin: germline.
Comment: the same text as in the submission from Illumina Laboratory Services, Illumina above.

Eurofins Ntd Llc (ga)
Classification: Benign. Last evaluated: 2017-01-11. Review status: criteria provided, single submitter. Criteria: EGL Classification Definitions 2015. Collection method: clinical testing. Allele origin: germline. Observed: 1 variant allele, 1 heterozygote.

GeneDx
Classification: Benign. Last evaluated: 2016-04-07. Review status: criteria provided, single submitter. Criteria: GeneDx Variant Classification (06012015). Collection method: clinical testing. Allele origin: germline. Affected: yes.
Comment: This variant is considered likely benign or benign based on one or more of the following criteria: it is a conservative change, it occurs at a poorly conserved position in the protein, it is predicted to be benign by multiple in silico algorithms, and/or has population frequency not consistent with disease.

Breakthrough Genomics
Classification: Benign. Review status: criteria provided, single submitter. Criteria: ACMG Guidelines, 2015. Collection method: not provided. Allele origin: germline. Inheritance: Autosomal dominant inheritance. Affected: yes.

PreventionGenetics, part of Exact Sciences
Classification: Benign. Review status: criteria provided, single submitter. Criteria: ACMG Guidelines, 2015. Collection method: clinical testing. Allele origin: germline.

Diagnostic Laboratory, Department of Genetics, University Medical Center Groningen
Classification: Benign. Review status: no assertion criteria provided. Collection method: clinical testing. Allele origin: germline. Affected: yes. Study: VKGL Data-share Consensus. Not counted in ClinVar's aggregate classification.

Genome Diagnostics Laboratory, Amsterdam University Medical Center
Classification: Benign. Review status: no assertion criteria provided. Collection method: clinical testing. Allele origin: germline. Affected: yes. Study: VKGL Data-share Consensus. Not counted in ClinVar's aggregate classification.

Joint Genome Diagnostic Labs from Nijmegen and Maastricht, Radboudumc and MUMC+
Classification: Benign. Review status: no assertion criteria provided. Collection method: clinical testing. Allele origin: germline. Affected: yes. Study: VKGL Data-share Consensus. Not counted in ClinVar's aggregate classification.

NM_001844.5(COL2A1):c.4213G>A (p.Gly1405Ser)

Gene: COL2A1 (collagen type II alpha 1 chain; minus strand). Cytogenetic location: 12q13.11.
Variant type: single nucleotide variant.
Coding change: c.4213G>A on transcript NM_001844.5 (MANE Select); coding-DNA position 4213, G replaced by A.
Protein change: p.Gly1405Ser; replaces glycine 1405 with serine.
Molecular consequence: missense variant.
Genome position (GRCh38, 1-based): chr12:47,974,193, C>T on the plus strand (G>A on the coding strand, the complement: COL2A1 is on the minus strand). VCF-style: chr12-47974193-C-T. GRCh37 (hg19) VCF-style: chr12-48367976-C-T.
Other names: c.4006G>A, p.Gly1336Ser (NM_033150.3); short protein forms G1405S, G1336S.
Identifiers: ClinVar variation 258238 (VCV000258238.28), dbSNP rs2070739, ClinGen allele CA6534518.